The following is an entry in ClinVar:

ClinVar aggregate classification (germline): Pathogenic. Review status: criteria provided, multiple submitters, no conflicts (2 of 4 stars). 4 submissions from 4 submitters: Pathogenic (3). 1 of the submissions does not count toward it. Last evaluated 2025-02-17.

Conditions:
Neuronal ceroid lipofuscinosis 2. Also called: TPP1-Related Neuronal Ceroid-Lipofuscinosis; JANSKY-BIELSCHOWSKY DISEASE NEURONAL CEROID LIPOFUSCINOSIS, LATE INFANTILE. Identifiers: Orphanet 168491, Orphanet 228349, Orphanet 79264, MedGen C1876161, MONDO:0008769, OMIM 204500.

Submissions (4):

Natera, Inc.
Classification: Pathogenic for Neuronal ceroid lipofuscinosis 2. Last evaluated: 2025-02-17. Review status: criteria provided, single submitter. Criteria: Natera Variant Classification Schema (03/2026). Collection method: clinical testing. Allele origin: germline.
Comment: The c.1076-2A>T variant in TPP1 is a canonical splice acceptor site variant predicted to affect pre-mRNA splicing, which may result in an abnormal transcript and altered protein product. This variant is expected to result in nonsense mediated decay, truncation, or a dysfunctional protein product. This variant is rare in the general population with a frequency below the threshold expected for the associated phenotype(s). This variant has been observed in one or more individuals affected with the associated recessive disease, as either homozygous or compound heterozygous with a second variant (PMID: 33604240). Additionally, this variant has been observed to segregate in affected family members (PMID: 33377563). Another variant at this same site results in an alteration predicted to cause a similar molecular effect has been observed in individual(s) with the associated phenotype. Given the available evidence, this variant is classified as Pathogenic.

Labcorp Genetics (formerly Invitae), Labcorp
Classification: Pathogenic. Last evaluated: 2025-01-15. Review status: criteria provided, single submitter. Criteria: Invitae Variant Classification Sherloc (09022015). Collection method: clinical testing. Allele origin: germline.
Comment: This sequence change affects an acceptor splice site in intron 8 of the TPP1 gene. It is expected to disrupt RNA splicing. Variants that disrupt the donor or acceptor splice site typically lead to a loss of protein function (PMID: 16199547), and loss-of-function variants in TPP1 are known to be pathogenic (PMID: 10330339). This variant is not present in population databases (gnomAD no frequency). Disruption of this splice site has been observed in individuals with clinical features of neuronal ceroid lipofuscinosis (PMID: 33604240). ClinVar contains an entry for this variant (Variation ID: 555109). Algorithms developed to predict the effect of sequence changes on RNA splicing suggest that this variant may disrupt the consensus splice site. For these reasons, this variant has been classified as Pathogenic.

Revvity Omics, Revvity
Classification: Pathogenic. Last evaluated: 2022-09-20. Review status: criteria provided, single submitter. Criteria: ACMG Guidelines, 2015. Collection method: clinical testing. Allele origin: germline.

Counsyl
Classification: Likely pathogenic for Neuronal ceroid lipofuscinosis 2. Last evaluated: 2017-11-22. Review status: no assertion criteria provided. Collection method: clinical testing. Allele origin: unknown. Not counted in ClinVar's aggregate classification.

Literature cited by the submitters: PubMed 33604240 (cited by Natera, Inc. and Labcorp Genetics (formerly Invitae), Labcorp); PubMed 33377563 (cited by Natera, Inc.); PubMed 16199547 (cited by Labcorp Genetics (formerly Invitae), Labcorp); PubMed 10330339 (cited by Labcorp Genetics (formerly Invitae), Labcorp).

NM_000391.4(TPP1):c.1076-2A>T

Gene: TPP1 (tripeptidyl peptidase 1; minus strand). Cytogenetic location: 11p15.4.
Variant type: single nucleotide variant.
Coding change: c.1076-2A>T on transcript NM_000391.4 (MANE Select); the canonical splice acceptor site of the intron before coding-DNA position 1076, A replaced by T.
Molecular consequence: splice acceptor variant.
Genome position (GRCh38, 1-based): chr11:6,616,076, T>A on the plus strand (A>T on the coding strand, the complement: TPP1 is on the minus strand). VCF-style: chr11-6616076-T-A. GRCh37 (hg19) VCF-style: chr11-6637307-T-A.
Identifiers: ClinVar variation 555109 (VCV000555109.17), dbSNP rs1424116749, ClinGen allele CA379473917.
Genomic context (GRCh38, chr11:6,616,076, plus strand): 5'-GAAGGTAGGGCGGAACTGGTGTCTTCCAGAGACAGACCAACACCCGGCCCCACTGTCACC[T>A]GAGAGAGACCAAGTGTAGCATTCATATTAATTGGTTAGGGCTTAGTATGTGGGTTCGGAT-3'